The following is an entry in ClinVar:

ClinVar aggregate classification (germline): Uncertain significance (1 of 4 stars; one submission).

gnomAD v4.1: 1 of 1,612,376 alleles (0.000062%); highest among the groups gnomAD compares: Non-Finnish European, 0.000085%; no homozygotes.

Submission:

GeneDx
Classification: Uncertain significance. Last evaluated: 2024-09-30. Review status: criteria provided, single submitter. Criteria: GeneDx Variant Classification Process June 2021. Collection method: clinical testing. Allele origin: germline. Affected: yes.
Comment: Not observed at significant frequency in large population cohorts (gnomAD); In silico analysis supports that this missense variant has a deleterious effect on protein structure/function; Has not been previously published as pathogenic or benign to our knowledge

NM_017617.5(NOTCH1):c.1028C>A (p.Ala343Asp)

Gene: NOTCH1 (notch receptor 1; minus strand). Cytogenetic location: 9q34.3.
Variant type: single nucleotide variant.
Coding change: c.1028C>A on transcript NM_017617.5 (MANE Select); coding-DNA position 1028, C replaced by A.
Protein change: p.Ala343Asp; replaces alanine 343 with aspartic acid.
Molecular consequence: missense variant.
Genome position (GRCh38, 1-based): chr9:136,518,662, G>T on the plus strand (C>A on the coding strand, the complement: NOTCH1 is on the minus strand). VCF-style: chr9-136518662-G-T. GRCh37 (hg19) VCF-style: chr9-139413114-G-T.
Other names: short protein forms A343D.
Identifiers: ClinVar variation 3774973 (VCV003774973.1).